The following is an entry in ClinVar:

NM_144599.5(NIPA1):c.266C>T (p.Ala89Val)

Gene: NIPA1 (NIPA magnesium transporter 1; plus strand). Cytogenetic location: 15q11.2.
Variant type: single nucleotide variant.
Coding change: c.266C>T on transcript NM_144599.5 (MANE Select); coding-DNA position 266, C replaced by T.
Protein change: p.Ala89Val; replaces alanine 89 with valine.
Molecular consequence: missense variant.
Genome position (GRCh38, 1-based): chr15:22,812,202, C>T. VCF-style: chr15-22812202-C-T. GRCh37 (hg19) VCF-style: chr15-23060866-G-A.
Other names: c.41C>T, p.Ala14Val (NM_001142275.1); short protein forms A89V, A14V.
Identifiers: ClinVar variation 425060 (VCV000425060.10), dbSNP rs548931873, ClinGen allele CA7426151.

ClinVar aggregate classification (germline): Conflicting classifications of pathogenicity. Review status: criteria provided, conflicting classifications (1 of 4 stars). 4 submissions from 4 submitters: Uncertain significance (3); Likely benign (1). Last evaluated 2025-12-01.

Conditions:
Inborn genetic diseases. Identifiers: MedGen C0950123, MeSH D030342.
Hereditary spastic paraplegia 6 (SPG6). Also called: SPASTIC PARAPLEGIA 6, AUTOSOMAL DOMINANT. Identifiers: Orphanet 100988, MedGen C1838192, MONDO:0010878, OMIM 600363.

Allele frequency attached by ClinVar (database versions not stated): gnomAD exomes 0.00003; TOPMed 0.00005; ExAC 0.00006; gnomAD 0.00009; 1000 Genomes Project 30x 0.00031; 1000 Genomes Project 0.00040.
gnomAD v4.1: 66 of 1,613,700 alleles (0.0041%); highest among the groups gnomAD compares: Middle Eastern, 0.017%; no homozygotes.

Submissions (4):

Labcorp Genetics (formerly Invitae), Labcorp
Classification: Uncertain significance for Hereditary spastic paraplegia 6. Last evaluated: 2025-12-01. Review status: criteria provided, single submitter. Criteria: Invitae Variant Classification Sherloc (09022015). Collection method: clinical testing. Allele origin: germline.
Comment: This sequence change replaces alanine, which is neutral and non-polar, with valine, which is neutral and non-polar, at codon 89 of the NIPA1 protein (p.Ala89Val). This variant is present in population databases (rs548931873, gnomAD 0.03%). This variant has not been reported in the literature in individuals affected with NIPA1-related conditions. ClinVar contains an entry for this variant (Variation ID: 425060). Invitae Evidence Modeling of protein sequence and biophysical properties (such as structural, functional, and spatial information, amino acid conservation, physicochemical variation, residue mobility, and thermodynamic stability) has been performed for this missense variant. However, the output from this modeling did not meet the statistical confidence thresholds required to predict the impact of this variant on NIPA1 protein function. In summary, the available evidence is currently insufficient to determine the role of this variant in disease. Therefore, it has been classified as a Variant of Uncertain Significance.

Ambry Genetics
Classification: Uncertain significance for Inborn genetic diseases. Last evaluated: 2025-11-03. Review status: criteria provided, single submitter. Criteria: Ambry Variant Classification Scheme 2023. Collection method: clinical testing. Allele origin: germline.

Athena Diagnostics
Classification: Likely benign. Last evaluated: 2020-03-05. Review status: criteria provided, single submitter. Criteria: Athena Diagnostics Criteria. Collection method: clinical testing. Allele origin: unknown.

CeGaT Center for Human Genetics Tuebingen
Classification: Uncertain significance. Last evaluated: 2017-01-31. Review status: criteria provided, single submitter. Criteria: Praxis fuer Humangenetik Tuebingen - Variant Classification Criteria. Collection method: clinical testing. Allele origin: germline. Affected: yes. Observed: 1 variant allele.